The following is an entry in ClinVar:

ClinVar aggregate classification (germline): Benign. Review status: criteria provided, single submitter (1 of 4 stars). 2 submissions from 2 submitters: Benign (1). 1 of the submissions does not count toward it. Last evaluated 2025-08-21.

Conditions:
PDGFB-related disorder. Also called: PDGFB-related condition.

Allele frequency attached by ClinVar (database versions not stated): gnomAD exomes 0.00004; 1000 Genomes Project 0.00020; ExAC 0.00020; gnomAD 0.00022; TOPMed 0.00029; 1000 Genomes Project 30x 0.00031; ESP Exome Variant Server 0.00038.
gnomAD v4.1: 101 of 1,613,622 alleles (0.0063%); highest among the groups gnomAD compares: African/African-American, 0.083%; no homozygotes.

Submissions (2):

Labcorp Genetics (formerly Invitae), Labcorp
Classification: Benign. Last evaluated: 2025-08-21. Review status: criteria provided, single submitter. Criteria: Invitae Variant Classification Sherloc (09022015). Collection method: clinical testing. Allele origin: germline.

PreventionGenetics, part of Exact Sciences
Classification: Likely benign for PDGFB-related condition. Last evaluated: 2023-12-31. Review status: no assertion criteria provided. Collection method: clinical testing. Allele origin: germline. Not counted in ClinVar's aggregate classification.
Comment: This variant is classified as likely benign based on ACMG/AMP sequence variant interpretation guidelines (Richards et al. 2015 PMID: 25741868, with internal and published modifications).

NM_002608.4(PDGFB):c.285C>T (p.Ala95=)

Gene: PDGFB (platelet derived growth factor subunit B; minus strand). Cytogenetic location: 22q13.1.
Variant type: single nucleotide variant.
Coding change: c.285C>T on transcript NM_002608.4 (MANE Select); coding-DNA position 285, C replaced by T.
Protein change: p.Ala95=; no amino-acid change (alanine 95 retained).
Molecular consequence: synonymous variant.
Genome position (GRCh38, 1-based): chr22:39,231,793, G>A on the plus strand (C>T on the coding strand, the complement: PDGFB is on the minus strand). VCF-style: chr22-39231793-G-A. GRCh37 (hg19) VCF-style: chr22-39627798-G-A.
Other names: c.285C>T (NM_002608.3); c.240C>T, p.Ala80= (NM_033016.3).
Identifiers: ClinVar variation 2163377 (VCV002163377.6), dbSNP rs147036196, ClinGen allele CA10240151.